The following is an entry in ClinVar:

NM_207361.6(FREM2):c.8902G>A (p.Val2968Ile)

Gene: FREM2 (FRAS1 related extracellular matrix 2; plus strand). Cytogenetic location: 13q13.3.
Variant type: single nucleotide variant.
Coding change: c.8902G>A on transcript NM_207361.6 (MANE Select); coding-DNA position 8902, G replaced by A.
Protein change: p.Val2968Ile; replaces valine 2968 with isoleucine.
Molecular consequence: missense variant.
Genome position (GRCh38, 1-based): chr13:38,878,873, G>A. VCF-style: chr13-38878873-G-A. GRCh37 (hg19) VCF-style: chr13-39453010-G-A.
Other names: short protein forms V2968I.
Identifiers: ClinVar variation 195789 (VCV000195789.51), dbSNP rs116099212, ClinGen allele CA201942.
Genomic context (GRCh38, chr13:38,878,873, plus strand): 5'-TTTCCTTACTGCTTAAAGGACAAAGCTCAGCCAGAGACACAAGCGACCAGTTTTGGAAAT[G>A]TCCTATTTAATGCCAAACTAGCAGTGGATGACCCTGAAGCCATTCTCTTAGTGAATCAGC-3'
Protein context (NP_997244.4, residues 2958-2978): PETQATSFGN[Val2968Ile]LFNAKLAVDD

ClinVar aggregate classification (germline): Benign/Likely benign. Review status: criteria provided, multiple submitters, no conflicts (2 of 4 stars). 12 submissions from 12 submitters: Benign (4); Likely benign (6). 2 of the submissions do not count toward it. Last evaluated 2026-01-29.

Conditions:
FREM2-related disorder. Also called: FREM2-related condition.
Isolated cryptophthalmia. Also called: ANKYLOBLEPHARON, SIMPLE; Cryptophthalmos, unilateral or bilateral, isolated. Identifiers: Orphanet 91396, MedGen C1852453, MONDO:0007410, OMIM 123570.
Fraser syndrome 2 (FRASRS2). Identifiers: MedGen C4540036, MONDO:0054738, OMIM 617666.
Fraser syndrome 1 (FRASRS1). Also called: CRYPTOPHTHALMOS WITH OTHER MALFORMATIONS. Identifiers: Orphanet 2052, MedGen C4551480, MONDO:0054737, OMIM 219000.

Allele frequency attached by ClinVar (database versions not stated): ESP Exome Variant Server 0.00477; gnomAD exomes 0.00611 and 0.00406; 1000 Genomes Project 0.00100; 1000 Genomes Project 30x 0.00125; TOPMed 0.00375; gnomAD 0.00377 and 0.00379; ExAC 0.00400.
gnomAD v4.1: 9,425 of 1,614,122 alleles (0.58%); highest among the groups gnomAD compares: Non-Finnish European, 0.7%; 51 homozygotes.

Submissions (12):

Labcorp Genetics (formerly Invitae), Labcorp
Classification: Benign. Last evaluated: 2026-01-29. Review status: criteria provided, single submitter. Criteria: Invitae Variant Classification Sherloc (09022015). Collection method: clinical testing. Allele origin: germline.

CeGaT Center for Human Genetics Tuebingen
Classification: Likely benign. Last evaluated: 2024-08-01. Review status: criteria provided, single submitter. Criteria: CeGaT Center For Human Genetics Tuebingen Variant Classification Criteria Version 2. Collection method: clinical testing. Allele origin: germline. Affected: yes. Observed: 5 variant alleles.
Comment: FREM2: BP4, BS2

Women's Health and Genetics/Laboratory Corporation of America, LabCorp
Classification: Benign. Last evaluated: 2022-06-03. Review status: criteria provided, single submitter. Criteria: LabCorp Variant Classification Summary - May 2015. Collection method: clinical testing. Allele origin: germline.
Comment: Variant summary: FREM2 c.8902G>A (p.Val2968Ile) results in a conservative amino acid change in the encoded protein sequence. Four of five in-silico tools predict a benign effect of the variant on protein function. The variant allele was found at a frequency of 0.0041 in 282828 control chromosomes in the gnomAD database, with 6 homozygotes. The variant occurs predominantly at a frequency of 0.0063 within the Non-Finnish European subpopulation in the gnomAD database, with 3 homozygotes. The observed variant frequency within Non-Finnish European control individuals in the gnomAD database is approximately 5 fold of the estimated maximal expected allele frequency for a pathogenic variant in FREM2 causing Cryptophthalmos Syndrome phenotype (0.0013), strongly suggesting that the variant is a benign polymorphism found primarily in populations of Non-Finnish European origin. Five ClinVar submitters have assessed the variant since 2014: three classified the variant as likely benign and two as benign. Based on the evidence outlined above, the variant was classified as benign.

Fulgent Genetics
Classification: Likely benign for Isolated cryptophthalmia; Fraser syndrome 2. Last evaluated: 2022-04-08. Review status: criteria provided, single submitter. Criteria: ACMG Guidelines, 2015. Collection method: clinical testing. Allele origin: unknown.

GeneDx
Classification: Likely benign. Last evaluated: 2019-09-09. Review status: criteria provided, single submitter. Criteria: GeneDx Variant Classification Process June 2021. Collection method: clinical testing. Allele origin: germline. Affected: yes.
Comment: In silico analysis, which includes protein predictors and evolutionary conservation, supports that this variant does not alter protein structure/function; This variant is associated with the following publications: (PMID: 26275891)

Mendelics
Classification: Benign for Fraser syndrome 1. Last evaluated: 2019-05-28. Review status: criteria provided, single submitter. Criteria: Mendelics Assertion Criteria 2017. Collection method: clinical testing. Allele origin: unknown.

Illumina Laboratory Services, Illumina
Classification: Likely benign for Fraser syndrome 2. Last evaluated: 2017-04-27. Review status: criteria provided, single submitter. Criteria: ICSL Variant Classification Criteria 13 December 2019. Collection method: clinical testing. Allele origin: germline.
Comment: This variant was observed as part of a predisposition screen in an ostensibly healthy population. A literature search was performed for the gene, cDNA change, and amino acid change (where applicable). Publications were found based on this search. The evidence from the literature, in combination with allele frequency data from public databases where available, was sufficient to determine this variant is unlikely to cause disease. Therefore, this variant is classified as likely benign.

Center for Pediatric Genomic Medicine, Children's Mercy Hospital and Clinics
Classification: Likely benign. Last evaluated: 2015-09-29. Review status: criteria provided, single submitter. Criteria: ACMG Guidelines, 2015. Collection method: clinical testing. Allele origin: germline.
ClinVar note: Converted during submission from Likely Benign to Likely benign.

Eurofins Ntd Llc (ga)
Classification: Benign. Last evaluated: 2014-12-01. Review status: criteria provided, single submitter. Criteria: EGL Classification Definitions 2015. Collection method: clinical testing. Allele origin: germline. Observed: 1 variant allele, 1 heterozygote.

Breakthrough Genomics
Classification: Likely benign. Review status: criteria provided, single submitter. Criteria: ACMG Guidelines, 2015. Collection method: not provided. Allele origin: germline. Inheritance: Autosomal recessive inheritance. Affected: yes.

PreventionGenetics, part of Exact Sciences
Classification: Likely benign for FREM2-related condition. Last evaluated: 2019-05-06. Review status: no assertion criteria provided. Collection method: clinical testing. Allele origin: germline. Not counted in ClinVar's aggregate classification.
Comment: This variant is classified as likely benign based on ACMG/AMP sequence variant interpretation guidelines (Richards et al. 2015 PMID: 25741868, with internal and published modifications).

Department of Pathology and Laboratory Medicine, Sinai Health System
Classification: Likely benign. Review status: no assertion criteria provided. Collection method: clinical testing. Allele origin: unknown. Affected: yes. Study: The Canadian Open Genetics Repository (COGR). Not counted in ClinVar's aggregate classification.
Comment: The FREM2 p.Val2968Ile variant was not identified in Cosmic but was identified in dbSNP (ID: rs116099212), ClinVar (classified as benign by EGL Genetic Diagnostics and likely benign by Center for Pediatric Genomic Medicine, Children's Mercy Hospital and Clinics) and LOVD 3.0 (classified as likely benign). The variant was identified in control databases in 1149 of 282828 chromosomes (6 homozygous) at a frequency of 0.004063 increasing the likelihood this could be a low frequency benign variant (Genome Aggregation Database Feb 27, 2017). The variant was observed in the following populations: European (non-Finnish) in 811 of 129136 chromosomes (freq: 0.00628), South Asian in 154 of 30616 chromosomes (freq: 0.00503), Other in 28 of 7226 chromosomes (freq: 0.003875), European (Finnish) in 67 of 25122 chromosomes (freq: 0.002667), Latino in 61 of 35438 chromosomes (freq: 0.001721), African in 24 of 24974 chromosomes (freq: 0.000961), Ashkenazi Jewish in 3 of 10364 chromosomes (freq: 0.00029), and East Asian in 1 of 19952 chromosomes (freq: 0.00005). This variant was identified in the heterozygous state in one case with a prenatal diagnosis of laryngeal atresia/stenosis although the clinical significance of this variant is not known (Drury_2015_PMID:26275891). The p.Val2968 residue is conserved in mammals and computational analyses (PolyPhen-2, SIFT, AlignGVGD, BLOSUM, MutationTaster) provide inconsistent predictions regarding the impact to the protein; this information is not very predictive of pathogenicity. The variant occurs outside of the splicing consensus sequence and in silico or computational prediction software programs (SpliceSiteFinder, MaxEntScan, NNSPLICE, GeneSplicer) do not predict a difference in splicing. In summary, based on the above information the clinical significance of this variant cannot be determined with certainty at this time although we would lean towards a more benign role for this variant. This variant is classified as likely benign.

Literature cited by the submitters: PubMed 26275891 (cited by Illumina Laboratory Services, Illumina).